The following is an entry in ClinVar:

NM_000133.4(F9):c.1095A>G (p.Ser365=)

Gene: F9 (coagulation factor IX; plus strand). Cytogenetic location: Xq27.1.
Variant type: single nucleotide variant.
Coding change: c.1095A>G on transcript NM_000133.4 (MANE Select); coding-DNA position 1095, A replaced by G.
Protein change: p.Ser365=; no amino-acid change (serine 365 retained).
Molecular consequence: synonymous variant.
Genome position (GRCh38, 1-based): chrX:139,561,780, A>G. VCF-style: chrX-139561780-A-G. GRCh37 (hg19) VCF-style: chrX-138643939-A-G.
Other names: NM_000133.3(F9):c.1095A>G; p.Ser365=; c.981A>G, p.Ser327= (NM_001313913.2).
Identifiers: ClinVar variation 368002 (VCV000368002.26), dbSNP rs112057482, ClinGen allele CA10529870.

ClinVar aggregate classification (germline): Benign. Review status: reviewed by expert panel (3 of 4 stars). 6 submissions from 6 submitters: Benign (1). 5 of the submissions do not count toward it. Last evaluated 2024-02-09.

Conditions:
Hereditary factor IX deficiency disease (HEMB). Also called: F9 DEFICIENCY; FACTOR IX DEFICIENCY; PLASMA THROMBOPLASTIN COMPONENT DEFICIENCY; Hemophilia B; Christmas Disease. Identifiers: Orphanet 98879, MedGen C0008533, MeSH D002836, MONDO:0010604, OMIM 306900.
Thrombophilia, X-linked, due to factor 9 defect. Identifiers: MedGen C2749016, MONDO:0010432, OMIM 300807.

Allele frequency attached by ClinVar (database versions not stated): gnomAD exomes 0.00112 and 0.00290; ExAC 0.00329; gnomAD 0.00956 and 0.01021; 1000 Genomes Project 0.01113; TOPMed 0.01128; ESP Exome Variant Server 0.01212; 1000 Genomes Project 30x 0.01270.
gnomAD v4.1: 2,419 of 1,210,305 alleles (0.2%); highest among the groups gnomAD compares: African/African-American, 3.3%; 19 homozygotes.

Submissions (6):

ClinGen Coagulation Factor Deficiency Variant Curation Expert Panel, Clingen
Classification: Benign for Hereditary factor IX deficiency disease. Last evaluated: 2024-02-09. Review status: reviewed by expert panel. Criteria: ClinGen CoagFactor ACMG Specifications F9 V1.0.0. Collection method: curation. Allele origin: germline. Inheritance: X-linked inheritance.
Comment: The NM_000133.3:c.1095A>G variant predicts a synonymous change, Ser365=. It is reported at a high frequency of 0.03271 (622/19015 alleles with 172 hemizygotes) in the African subpopulation in gnomAD v2.1.1, meeting the BA1 cut-off of >=0.0000556. The variant is not predicted to impact splicing, and the nucleotide position at which this variant occurs is not highly conserved, meeting the BP4 and BP7 criteria. To the best of our knowledge, the variant has not been reported in male patients with Hemophilia B. In summary, the variant meets criteria to be classified as benign. ACMG/AMP criteria applied, as specified by the Coagulation Factor Deficiency Variant Curation Expert Panel for F9: BA1, BP4, BP7.

Labcorp Genetics (formerly Invitae), Labcorp
Classification: Benign for Thrombophilia, X-linked, due to factor 9 defect; Hereditary factor IX deficiency disease. Last evaluated: 2026-02-03. Review status: criteria provided, single submitter. Criteria: Invitae Variant Classification Sherloc (09022015). Collection method: clinical testing. Allele origin: germline. Not counted in ClinVar's aggregate classification.

Blueprint Genetics
Classification: Likely benign. Last evaluated: 2024-11-13. Review status: criteria provided, single submitter. Criteria: ACMG Guidelines, 2015. Collection method: clinical testing. Allele origin: germline. Not counted in ClinVar's aggregate classification.

ARUP Laboratories, Molecular Genetics and Genomics, ARUP Laboratories
Classification: Benign. Last evaluated: 2019-06-03. Review status: criteria provided, single submitter. Criteria: ARUP Molecular Germline Variant Investigation Process. Collection method: clinical testing. Allele origin: germline. Not counted in ClinVar's aggregate classification.

Illumina Laboratory Services, Illumina
Classification: Likely benign for Hereditary factor IX deficiency disease. Last evaluated: 2017-04-27. Review status: criteria provided, single submitter. Criteria: ICSL Variant Classification Criteria 13 December 2019. Collection method: clinical testing. Allele origin: germline. Not counted in ClinVar's aggregate classification.
Comment: This variant was observed as part of a predisposition screen in an ostensibly healthy population. A literature search was performed for the gene, cDNA change, and amino acid change (where applicable). No publications were found based on this search. Allele frequency data from public databases allowed determination this variant is unlikely to cause disease. Therefore, this variant is classified as likely benign.

Breakthrough Genomics
Classification: Likely benign. Review status: criteria provided, single submitter. Criteria: ACMG Guidelines, 2015. Collection method: not provided. Allele origin: germline. Inheritance: X-linked inheritance. Affected: yes. Not counted in ClinVar's aggregate classification.